The following is an entry in ClinVar:

ClinVar aggregate classification (germline): Uncertain significance. Review status: criteria provided, multiple submitters, no conflicts (2 of 4 stars). 2 submissions from 2 submitters: Uncertain significance (2). Last evaluated 2024-04-25.

Allele frequency attached by ClinVar (database versions not stated): TOPMed below 0.00001; gnomAD exomes 0.00001 and 0.00002; ExAC 0.00002.
gnomAD v4.1: 17 of 1,613,766 alleles (0.0011%); highest among the groups gnomAD compares: East Asian, 0.0022%; no homozygotes.

Submissions (2):

Blueprint Genetics
Classification: Uncertain significance. Last evaluated: 2024-04-25. Review status: criteria provided, single submitter. Criteria: ACMG Guidelines, 2015. Collection method: clinical testing. Allele origin: germline.

Labcorp Genetics (formerly Invitae), Labcorp
Classification: Uncertain significance. Last evaluated: 2023-09-13. Review status: criteria provided, single submitter. Criteria: Invitae Variant Classification Sherloc (09022015). Collection method: clinical testing. Allele origin: germline.
Comment: This variant has not been reported in the literature in individuals affected with VCAN-related conditions. This sequence change replaces glutamic acid, which is acidic and polar, with lysine, which is basic and polar, at codon 3248 of the VCAN protein (p.Glu3248Lys). This variant is present in population databases (rs766689424, gnomAD 0.004%). ClinVar contains an entry for this variant (Variation ID: 1035631). An algorithm developed to predict the effect of missense changes on protein structure and function (PolyPhen-2) suggests that this variant is likely to be disruptive. In summary, the available evidence is currently insufficient to determine the role of this variant in disease. Therefore, it has been classified as a Variant of Uncertain Significance.

NM_004385.5(VCAN):c.9742G>A (p.Glu3248Lys)

Gene: VCAN (versican; plus strand). Cytogenetic location: 5q14.3.
Variant type: single nucleotide variant.
Coding change: c.9742G>A on transcript NM_004385.5 (MANE Select); coding-DNA position 9742, G replaced by A.
Protein change: p.Glu3248Lys; replaces glutamic acid 3248 with lysine.
Molecular consequence: missense variant.
Genome position (GRCh38, 1-based): chr5:83,572,422, G>A. VCF-style: chr5-83572422-G-A. GRCh37 (hg19) VCF-style: chr5-82868241-G-A.
Other names: c.1519G>A, p.Glu507Lys (NM_001126336.3); c.6781G>A, p.Glu2261Lys (NM_001164097.2); c.4480G>A, p.Glu1494Lys (NM_001164098.2); short protein forms E3248K, E1494K, E2261K, E507K.
Identifiers: ClinVar variation 1035631 (VCV001035631.9), dbSNP rs766689424, ClinGen allele CA3334091.